The following is an entry in ClinVar:

NM_032581.4(HYCC1):c.301A>G (p.Ile101Val)

Gene: HYCC1 (hyccin PI4KA lipid kinase complex subunit 1; minus strand). Cytogenetic location: 7p15.3.
Variant type: single nucleotide variant.
Coding change: c.301A>G on transcript NM_032581.4 (MANE Select); coding-DNA position 301, A replaced by G.
Protein change: p.Ile101Val; replaces isoleucine 101 with valine.
Molecular consequence: missense variant.
Genome position (GRCh38, 1-based): chr7:22,978,301, T>C on the plus strand (A>G on the coding strand, the complement: HYCC1 is on the minus strand). VCF-style: chr7-22978301-T-C. GRCh37 (hg19) VCF-style: chr7-23017920-T-C.
Other names: c.301A>G, p.Ile101Val (NM_001363466.2, NM_001363467.2); short protein forms I101V.
Identifiers: ClinVar variation 2181631 (VCV002181631.4), dbSNP rs755271692, ClinGen allele CA4186057.

ClinVar aggregate classification (germline): Uncertain significance (1 of 4 stars; one submission).

Conditions:
Hypomyelination and Congenital Cataract (HLD5). Also called: hypomyelinating leukodystrophy 5. Identifiers: Orphanet 85163, MedGen C1864663, MONDO:0012514, OMIM 610532.

Allele frequency attached by ClinVar (database versions not stated): gnomAD 0.00001; gnomAD exomes 0.00001; ExAC 0.00002.
gnomAD v4.1: 8 of 1,614,012 alleles (0.0005%); highest among the groups gnomAD compares: Admixed American, 0.0067%; no homozygotes.

Submission:

Labcorp Genetics (formerly Invitae), Labcorp
Classification: Uncertain significance for Hypomyelination and Congenital Cataract. Last evaluated: 2024-01-08. Review status: criteria provided, single submitter. Criteria: Invitae Variant Classification Sherloc (09022015). Collection method: clinical testing. Allele origin: germline.
Comment: This sequence change replaces isoleucine, which is neutral and non-polar, with valine, which is neutral and non-polar, at codon 101 of the FAM126A protein (p.Ile101Val). This variant is present in population databases (rs755271692, gnomAD 0.01%). This variant has not been reported in the literature in individuals affected with FAM126A-related conditions. ClinVar contains an entry for this variant (Variation ID: 2181631). Advanced modeling of protein sequence and biophysical properties (such as structural, functional, and spatial information, amino acid conservation, physicochemical variation, residue mobility, and thermodynamic stability) performed at Invitae indicates that this missense variant is not expected to disrupt FAM126A protein function with a negative predictive value of 80%. In summary, the available evidence is currently insufficient to determine the role of this variant in disease. Therefore, it has been classified as a Variant of Uncertain Significance.